The following is an entry in ClinVar:

NM_173086.5(KRT6C):c.118C>T (p.Arg40Cys)

Gene: KRT6C (keratin 6C; minus strand). Cytogenetic location: 12q13.13.
Variant type: single nucleotide variant.
Coding change: c.118C>T on transcript NM_173086.5 (MANE Select); coding-DNA position 118, C replaced by T.
Protein change: p.Arg40Cys; replaces arginine 40 with cysteine.
Molecular consequence: missense variant.
Genome position (GRCh38, 1-based): chr12:52,473,620, G>A on the plus strand (C>T on the coding strand, the complement: KRT6C is on the minus strand). VCF-style: chr12-52473620-G-A. GRCh37 (hg19) VCF-style: chr12-52867404-G-A.
Other names: short protein forms R40C.
Identifiers: ClinVar variation 3039989 (VCV003039989.2), dbSNP rs541854809, ClinGen allele CA6581655.
Genomic context (GRCh38, chr12:52,473,620, plus strand): 5'-TGCGGCTGCCAAAGCCAGCTCCTCCACATGCACCACCCAGGCCACCACTGCCCCTGGAGC[G>A]GGACACGGAGATGCTGCTGAAGCCAGAGCGGCTGACCCCAGGGAGCCTGGCTGAGTTGGC-3'
Protein context (NP_775109.2, residues 30-50): RSGFSSISVS[Arg40Cys]SRGSGGLGGA

ClinVar aggregate classification (germline): Likely benign (0 of 4 stars; one submission).

Conditions:
KRT6C-related disorder. Also called: KRT6C-related condition.

Allele frequency attached by ClinVar (database versions not stated): gnomAD 0.00007; TOPMed 0.00010; ExAC 0.00016; 1000 Genomes Project 30x 0.00031; 1000 Genomes Project 0.00040.
gnomAD v4.1: 94 of 1,609,824 alleles (0.0058%); highest among the groups gnomAD compares: East Asian, 0.14%; 1 homozygote.

Submission:

PreventionGenetics, part of Exact Sciences
Classification: Likely benign for KRT6C-related condition. Last evaluated: 2019-10-01. Review status: no assertion criteria provided. Collection method: clinical testing. Allele origin: germline.
Comment: This variant is classified as likely benign based on ACMG/AMP sequence variant interpretation guidelines (Richards et al. 2015 PMID: 25741868, with internal and published modifications).